The following is an entry in ClinVar:

ClinVar aggregate classification (germline): Uncertain significance. Review status: criteria provided, multiple submitters, no conflicts (2 of 4 stars). 2 submissions from 2 submitters: Uncertain significance (2). Last evaluated 2026-08-27.

Conditions:
Inborn genetic diseases. Identifiers: MedGen C0950123, MeSH D030342.

Allele frequency attached by ClinVar (database versions not stated): gnomAD exomes below 0.00001; TOPMed 0.00001; ExAC 0.00001; gnomAD 0.00003.
gnomAD v4.1: 6 of 1,614,132 alleles (0.00037%); highest among the groups gnomAD compares: African/African-American, 0.0067%; no homozygotes.

Submissions (2):

Ambry Genetics
Classification: Uncertain significance for Inborn genetic diseases. Last evaluated: 2026-08-27. Review status: criteria provided, single submitter. Criteria: Ambry Variant Classification Scheme 2023. Collection method: clinical testing. Allele origin: germline.

Labcorp Genetics (formerly Invitae), Labcorp
Classification: Uncertain significance. Last evaluated: 2022-01-18. Review status: criteria provided, single submitter. Criteria: Invitae Variant Classification Sherloc (09022015). Collection method: clinical testing. Allele origin: germline.
Comment: This sequence change replaces proline, which is neutral and non-polar, with serine, which is neutral and polar, at codon 1526 of the COL7A1 protein (p.Pro1526Ser). This variant is not present in population databases (gnomAD no frequency). This variant has not been reported in the literature in individuals affected with COL7A1-related conditions. Algorithms developed to predict the effect of missense changes on protein structure and function are either unavailable or do not agree on the potential impact of this missense change (SIFT: "Tolerated"; PolyPhen-2: "Not Available"; Align-GVGD: "Class C0"). In summary, the available evidence is currently insufficient to determine the role of this variant in disease. Therefore, it has been classified as a Variant of Uncertain Significance.

NM_000094.4(COL7A1):c.4576C>T (p.Pro1526Ser)

Gene: COL7A1 (collagen type VII alpha 1 chain; minus strand). Cytogenetic location: 3p21.31.
Variant type: single nucleotide variant.
Coding change: c.4576C>T on transcript NM_000094.4 (MANE Select); coding-DNA position 4576, C replaced by T.
Protein change: p.Pro1526Ser; replaces proline 1526 with serine.
Molecular consequence: missense variant.
Genome position (GRCh38, 1-based): chr3:48,582,501, G>A on the plus strand (C>T on the coding strand, the complement: COL7A1 is on the minus strand). VCF-style: chr3-48582501-G-A. GRCh37 (hg19) VCF-style: chr3-48619934-G-A.
Other names: short protein forms P1526S.
Identifiers: ClinVar variation 2428445 (VCV002428445.4), dbSNP rs777042465, ClinGen allele CA2379947.